The following is an entry in ClinVar:

NM_016247.4(IMPG2):c.2582A>T (p.Lys861Met)

Gene: IMPG2 (interphotoreceptor matrix proteoglycan 2; minus strand). Cytogenetic location: 3q12.3.
Variant type: single nucleotide variant.
Coding change: c.2582A>T on transcript NM_016247.4 (MANE Select); coding-DNA position 2582, A replaced by T.
Protein change: p.Lys861Met; replaces lysine 861 with methionine.
Molecular consequence: missense variant.
Genome position (GRCh38, 1-based): chr3:101,243,749, T>A on the plus strand (A>T on the coding strand, the complement: IMPG2 is on the minus strand). VCF-style: chr3-101243749-T-A. GRCh37 (hg19) VCF-style: chr3-100962593-T-A.
Other names: short protein forms K861M.
Identifiers: ClinVar variation 1366488 (VCV001366488.8), dbSNP rs1249451223, ClinGen allele CA353856498.
Genomic context (GRCh38, chr3:101,243,749, plus strand): 5'-GCCACACTAACCATCTCTGTGGAGTGAACACTTGTTGACATTTCCACATAACTACCAACC[T>A]TGCCATTTTGCTCTTGGACTTGCTCAGGCTGATAGTAATCTGTGCCTATCCGGTCCAGTT-3'
Protein context (NP_057331.2, residues 851-871): QPEQVQEQNG[Lys861Met]VGSYVEMSTS

ClinVar aggregate classification (germline): Uncertain significance (1 of 4 stars; one submission).

Allele frequency attached by ClinVar (database versions not stated): TOPMed below 0.00001; gnomAD 0.00001.
gnomAD v4.1: 3 of 1,613,696 alleles (0.00019%); highest among the groups gnomAD compares: Non-Finnish European, 0.00025%; no homozygotes.

Submission:

Labcorp Genetics (formerly Invitae), Labcorp
Classification: Uncertain significance. Last evaluated: 2021-12-27. Review status: criteria provided, single submitter. Criteria: Invitae Variant Classification Sherloc (09022015). Collection method: clinical testing. Allele origin: germline.
Comment: This sequence change replaces lysine, which is basic and polar, with methionine, which is neutral and non-polar, at codon 861 of the IMPG2 protein (p.Lys861Met). This variant is not present in population databases (gnomAD no frequency). This variant has not been reported in the literature in individuals affected with IMPG2-related conditions. Algorithms developed to predict the effect of missense changes on protein structure and function output the following: SIFT: "Tolerated"; PolyPhen-2: "Benign"; Align-GVGD: "Class C0". The methionine amino acid residue is found in multiple mammalian species, which suggests that this missense change does not adversely affect protein function. In summary, the available evidence is currently insufficient to determine the role of this variant in disease. Therefore, it has been classified as a Variant of Uncertain Significance.